The following is an entry in ClinVar:

ClinVar aggregate classification (germline): Uncertain significance. Review status: criteria provided, multiple submitters, no conflicts (2 of 4 stars). 2 submissions from 2 submitters: Uncertain significance (2). Last evaluated 2023-10-10.

Conditions:
Inborn genetic diseases. Identifiers: MedGen C0950123, MeSH D030342.

Allele frequency attached by ClinVar (database versions not stated): ExAC 0.00001; gnomAD 0.00001; TOPMed 0.00001; gnomAD exomes 0.00002; 1000 Genomes Project 0.00020; 1000 Genomes Project 30x 0.00031.
gnomAD v4.1: 35 of 1,614,064 alleles (0.0022%); highest among the groups gnomAD compares: Non-Finnish European, 0.0029%; no homozygotes.

Submissions (2):

Ambry Genetics
Classification: Uncertain significance for Inborn genetic diseases. Last evaluated: 2023-10-10. Review status: criteria provided, single submitter. Criteria: Ambry Variant Classification Scheme 2023. Collection method: clinical testing. Allele origin: germline.

Labcorp Genetics (formerly Invitae), Labcorp
Classification: Uncertain significance. Last evaluated: 2022-08-17. Review status: criteria provided, single submitter. Criteria: Invitae Variant Classification Sherloc (09022015). Collection method: clinical testing. Allele origin: germline.
Comment: In summary, the available evidence is currently insufficient to determine the role of this variant in disease. Therefore, it has been classified as a Variant of Uncertain Significance. Algorithms developed to predict the effect of missense changes on protein structure and function are either unavailable or do not agree on the potential impact of this missense change (SIFT: "Tolerated"; PolyPhen-2: "Probably Damaging"; Align-GVGD: "Class C0"). This variant has not been reported in the literature in individuals affected with MAST1-related conditions. This variant is present in population databases (rs566115210, gnomAD 0.0009%). This sequence change replaces isoleucine, which is neutral and non-polar, with valine, which is neutral and non-polar, at codon 38 of the MAST1 protein (p.Ile38Val).

NM_014975.3(MAST1):c.112A>G (p.Ile38Val)

Gene: MAST1 (microtubule associated serine/threonine kinase 1; plus strand). Cytogenetic location: 19p13.13.
Variant type: single nucleotide variant.
Coding change: c.112A>G on transcript NM_014975.3 (MANE Select); coding-DNA position 112, A replaced by G.
Protein change: p.Ile38Val; replaces isoleucine 38 with valine.
Molecular consequence: missense variant.
Genome position (GRCh38, 1-based): chr19:12,840,474, A>G. VCF-style: chr19-12840474-A-G. GRCh37 (hg19) VCF-style: chr19-12951288-A-G.
Other names: c.112A>G (NM_014975.2); short protein forms I38V.
Identifiers: ClinVar variation 2111472 (VCV002111472.5), dbSNP rs566115210, ClinGen allele CA9232505.